The following is an entry in ClinVar:

NM_004586.3(RPS6KA3):c.610G>T (p.Glu204Ter)

Gene: RPS6KA3 (ribosomal protein S6 kinase A3; minus strand). Cytogenetic location: Xp22.12.
Variant type: single nucleotide variant.
Coding change: c.610G>T on transcript NM_004586.3 (MANE Select); coding-DNA position 610, G replaced by T.
Protein change: p.Glu204Ter; replaces glutamic acid 204 with a stop codon.
Molecular consequence: nonsense.
Genome position (GRCh38, 1-based): chrX:20,188,518, C>A on the plus strand (G>T on the coding strand, the complement: RPS6KA3 is on the minus strand). VCF-style: chrX-20188518-C-A. GRCh37 (hg19) VCF-style: chrX-20206636-C-A.
Other names: short protein forms E204*.
Identifiers: ClinVar variation 3772208 (VCV003772208.13).

ClinVar aggregate classification (germline): Pathogenic (1 of 4 stars; one submission).

Submission:

CeGaT Center for Human Genetics Tuebingen
Classification: Pathogenic. Last evaluated: 2025-01-01. Review status: criteria provided, single submitter. Criteria: CeGaT Center For Human Genetics Tuebingen Variant Classification Criteria Version 2. Collection method: clinical testing. Allele origin: germline. Affected: yes. Observed: 1 variant allele.
Comment: RPS6KA3: PVS1, PM2, PS2:Moderate